The following is an entry in ClinVar:

ClinVar aggregate classification (germline): Uncertain significance. Review status: criteria provided, multiple submitters, no conflicts (2 of 4 stars). 2 submissions from 2 submitters: Uncertain significance (2). Last evaluated 2025-12-01.

Conditions:
Primary dilated cardiomyopathy (DCM). Also called: Dilated Cardiomyopathy. Identifiers: Orphanet 217604, MedGen C0007193, MeSH D002311, MONDO:0005021, HP:0001644. Inheritance: Various modes of inheritance.
Cardiovascular phenotype. Identifiers: MedGen CN230736.

gnomAD v4.1: 29 of 1,559,198 alleles (0.0019%); highest among the groups gnomAD compares: Non-Finnish European, 0.0025%; no homozygotes.

Submissions (2):

Labcorp Genetics (formerly Invitae), Labcorp
Classification: Uncertain significance for Primary dilated cardiomyopathy. Last evaluated: 2025-12-01. Review status: criteria provided, single submitter. Criteria: Invitae Variant Classification Sherloc (09022015). Collection method: clinical testing. Allele origin: germline.
Comment: This sequence change replaces alanine, which is neutral and non-polar, with proline, which is neutral and non-polar, at codon 59 of the TXNRD2 protein (p.Ala59Pro). The frequency data for this variant in the population databases is considered unreliable, as metrics indicate poor data quality at this position in the gnomAD database. This variant has not been reported in the literature in individuals affected with TXNRD2-related conditions. ClinVar contains an entry for this variant (Variation ID: 1779561). An algorithm developed to predict the effect of missense changes on protein structure and function (PolyPhen-2) suggests that this variant is likely to be disruptive. In summary, the available evidence is currently insufficient to determine the role of this variant in disease. Therefore, it has been classified as a Variant of Uncertain Significance.

Ambry Genetics
Classification: Uncertain significance for Cardiovascular phenotype. Last evaluated: 2022-01-02. Review status: criteria provided, single submitter. Criteria: Ambry Variant Classification Scheme 2023. Collection method: clinical testing. Allele origin: germline.
Comment: The p.A59P variant (also known as c.175G>C), located in coding exon 3 of the TXNRD2 gene, results from a G to C substitution at nucleotide position 175. The alanine at codon 59 is replaced by proline, an amino acid with highly similar properties. This amino acid position is conserved. In addition, the in silico prediction for this alteration is inconclusive. Since supporting evidence is limited at this time, the clinical significance of this alteration remains unclear.

NM_006440.5(TXNRD2):c.175G>C (p.Ala59Pro)

Gene: TXNRD2 (thioredoxin reductase 2; minus strand). Cytogenetic location: 22q11.21.
Variant type: single nucleotide variant.
Coding change: c.175G>C on transcript NM_006440.5 (MANE Select); coding-DNA position 175, G replaced by C.
Protein change: p.Ala59Pro; replaces alanine 59 with proline.
Molecular consequence: missense variant. On other transcripts: 5 prime UTR variant (1).
Genome position (GRCh38, 1-based): chr22:19,919,597, C>G on the plus strand (G>C on the coding strand, the complement: TXNRD2 is on the minus strand). VCF-style: chr22-19919597-C-G. GRCh37 (hg19) VCF-style: chr22-19907120-C-G.
Other names: c.175G>C, p.Ala59Pro (NM_001282512.3); c.172G>C, p.Ala58Pro (NM_001352300.2); c.85G>C, p.Ala29Pro (NM_001352301.2); c.-114G>C (NM_001352302.2); c.79G>C, p.Ala27Pro (NM_001352303.2); short protein forms A58P, A27P, A29P, A59P.
Identifiers: ClinVar variation 1779561 (VCV001779561.4), dbSNP rs752863555, ClinGen allele CA10104312.